The following is an entry in ClinVar:

ClinVar aggregate classification (germline): Pathogenic/Likely pathogenic. Review status: criteria provided, multiple submitters, no conflicts (2 of 4 stars). 4 submissions from 4 submitters: Pathogenic (1); Likely pathogenic (1). 2 of the submissions do not count toward it. Last evaluated 2023-12-10.

Conditions:
CYBB-related disorders.
Granulomatous disease, chronic, X-linked. Also called: CYTOCHROME b-NEGATIVE GRANULOMATOUS DISEASE, CHRONIC, X-LINKED; GRANULOMATOUS DISEASE, CHRONIC, X-LINKED, SOMATIC MOSAIC. Identifiers: Orphanet 379, MedGen C1844376, MONDO:0010600, OMIM 306400.
Granulomatous disease, chronic, X-linked, variant. Identifiers: MedGen CN043100.

Submissions (4):

Labcorp Genetics (formerly Invitae), Labcorp
Classification: Pathogenic for Granulomatous disease, chronic, X-linked. Last evaluated: 2023-12-10. Review status: criteria provided, single submitter. Criteria: Invitae Variant Classification Sherloc (09022015). Collection method: clinical testing. Allele origin: germline.
Comment: This sequence change replaces alanine, which is neutral and non-polar, with threonine, which is neutral and polar, at codon 156 of the CYBB protein (p.Ala156Thr). This variant is not present in population databases (gnomAD no frequency). This missense change has been observed in individuals with chronic granulomatous disease (PMID: 1710153, 20729109, 29560547). ClinVar contains an entry for this variant (Variation ID: 10925). Advanced modeling of protein sequence and biophysical properties (such as structural, functional, and spatial information, amino acid conservation, physicochemical variation, residue mobility, and thermodynamic stability) performed at Invitae indicates that this missense variant is not expected to disrupt CYBB protein function with a negative predictive value of 95%. Experimental studies have shown that this missense change affects CYBB function (PMID: 25252997). For these reasons, this variant has been classified as Pathogenic.

Blueprint Genetics
Classification: Likely pathogenic for CYBB-related disorders. Last evaluated: 2020-01-07. Review status: criteria provided, single submitter. Criteria: ACMG Guidelines, 2015. Collection method: clinical testing. Allele origin: germline. Affected: yes. Observed: 3 variant alleles.

OMIM
Classification: Pathogenic for GRANULOMATOUS DISEASE, CHRONIC, X-LINKED, VARIANT. Last evaluated: 1991-06-01. Review status: no assertion criteria provided. Collection method: literature only. Allele origin: germline. Not counted in ClinVar's aggregate classification.

UniProtKB/Swiss-Prot
No classification provided. Review status: no classification provided. Collection method: not provided. Allele origin: not provided. Not counted in ClinVar's aggregate classification.

Literature cited by the submitters: PubMed 1710153 (cited by Labcorp Genetics (formerly Invitae), Labcorp and OMIM); PubMed 20729109 (cited by Labcorp Genetics (formerly Invitae), Labcorp); PubMed 29560547 (cited by Labcorp Genetics (formerly Invitae), Labcorp); PubMed 25252997 (cited by Labcorp Genetics (formerly Invitae), Labcorp).

NM_000397.4(CYBB):c.466G>A (p.Ala156Thr)

Gene: CYBB (cytochrome b-245 beta chain; plus strand). Cytogenetic location: Xp21.1.
Variant type: single nucleotide variant.
Coding change: c.466G>A on transcript NM_000397.4 (MANE Select); coding-DNA position 466, G replaced by A.
Protein change: p.Ala156Thr; replaces alanine 156 with threonine.
Molecular consequence: missense variant.
Genome position (GRCh38, 1-based): chrX:37,793,793, G>A. VCF-style: chrX-37793793-G-A. GRCh37 (hg19) VCF-style: chrX-37653046-G-A.
Other names: short protein forms A156T.
Identifiers: ClinVar variation 10925 (VCV000010925.5), dbSNP rs137854590, ClinGen allele CA121241.